The following is an entry in ClinVar:

ClinVar aggregate classification (germline): Benign (1 of 4 stars; one submission).

gnomAD v4.1: 1 of 775,492 alleles (0.00013%); highest among the groups gnomAD compares: Non-Finnish European, 0.00016%; no homozygotes.

Submission:

GeneDx
Classification: Benign. Last evaluated: 2013-09-19. Review status: criteria provided, single submitter. Criteria: GeneDx Variant Classification (06012015). Collection method: clinical testing. Allele origin: germline. Affected: yes.
Comment: This variant is considered likely benign or benign based on one or more of the following criteria: it is a conservative change, it occurs at a poorly conserved position in the protein, it is predicted to be benign by multiple in silico algorithms, and/or has population frequency not consistent with disease.

NM_001037.5(SCN1B):c.40+6T>C

Gene: SCN1B (sodium voltage-gated channel beta subunit 1; plus strand). Cytogenetic location: 19q13.11.
Variant type: single nucleotide variant.
Coding change: c.40+6T>C on transcript NM_001037.5 (MANE Select); 6 bases into the intron after coding-DNA position 40, T replaced by C.
Molecular consequence: intron variant.
Genome position (GRCh38, 1-based): chr19:35,030,866, T>C. VCF-style: chr19-35030866-T-C. GRCh37 (hg19) VCF-style: chr19-35521770-T-C.
Other names: c.40+6T>C (NM_199037.5).
Identifiers: ClinVar variation 139003 (VCV000139003.1), dbSNP rs587781151, ClinGen allele CA293228.